The following is an entry in ClinVar:

NM_014423.4(AFF4):c.229A>G (p.Ile77Val)

Gene: AFF4 (ALF transcription elongation factor 4; minus strand). Cytogenetic location: 5q31.1.
Variant type: single nucleotide variant.
Coding change: c.229A>G on transcript NM_014423.4 (MANE Select); coding-DNA position 229, A replaced by G.
Protein change: p.Ile77Val; replaces isoleucine 77 with valine.
Molecular consequence: missense variant.
Genome position (GRCh38, 1-based): chr5:132,934,836, T>C on the plus strand (A>G on the coding strand, the complement: AFF4 is on the minus strand). VCF-style: chr5-132934836-T-C. GRCh37 (hg19) VCF-style: chr5-132270528-T-C.
Other names: short protein forms I77V.
Identifiers: ClinVar variation 3035421 (VCV003035421.2), dbSNP rs372069594, ClinGen allele CA3409465.
Genomic context (GRCh38, chr5:132,934,836, plus strand): 5'-GTTCAAAGAAATTTGGGTTAGATTTTTCATCTGCTGATGGTGGTACTGTAGGCTTGGGAA[T>C]TGCAACAAGCTTTGGTATAGATCTGTCTCCTATGAAATCCTTCATTTCATCGTAGTTTCC-3'
Protein context (NP_055238.1, residues 67-87): GDRSIPKLVA[Ile77Val]PKPTVPPSAD

ClinVar aggregate classification (germline): Uncertain significance (0 of 4 stars; one submission).

Conditions:
AFF4-related disorder. Also called: AFF4-related condition.

Allele frequency attached by ClinVar (database versions not stated): ExAC 0.00001; gnomAD exomes 0.00001; TOPMed 0.00002; gnomAD 0.00003; ESP Exome Variant Server 0.00008.
gnomAD v4.1: 14 of 1,614,000 alleles (0.00087%); highest among the groups gnomAD compares: African/African-American, 0.0067%; no homozygotes.

Submission:

PreventionGenetics, part of Exact Sciences
Classification: Uncertain significance for AFF4-related condition. Last evaluated: 2024-04-24. Review status: no assertion criteria provided. Collection method: clinical testing. Allele origin: germline.
Comment: The AFF4 c.229A>G variant is predicted to result in the amino acid substitution p.Ile77Val. To our knowledge, this variant has not been reported in the literature. This variant is reported in 0.0062% of alleles in individuals of African descent in gnomAD. At this time, the clinical significance of this variant is uncertain due to the absence of conclusive functional and genetic evidence.